The following is an entry in ClinVar:

NM_000289.6(PFKM):c.1596del (p.Asn532fs)

Gene: PFKM (phosphofructokinase, muscle; plus strand). Cytogenetic location: 12q13.11.
Variant type: Deletion.
Coding change: c.1596del on transcript NM_000289.6 (MANE Select); coding-DNA position 1596, one base deleted (T; older notation c.1596delT).
Protein change: p.Asn532fs; shifts the reading frame from asparagine 532.
Molecular consequence: frameshift variant. On other transcripts: non-coding transcript variant (6).
Genome position (GRCh38, 1-based): chr12:48,142,009, T deleted. VCF-style (leftmost placement, unchanged base first): chr12-48142008-AT-A. GRCh37 (hg19) VCF-style: chr12-48535791-AT-A.
Other names: c.1503del, p.Asn501fs (NM_001363619.2); c.1809del, p.Asn603fs (NM_001166686.2, NM_001354737.1, NM_001354738.1 and 1 more transcripts); c.1596del, p.Asn532fs (NM_001166687.2, NM_001166688.2, NM_001354742.2 and 2 more transcripts); c.1905del, p.Asn635fs (NM_001354735.1, NM_001354736.1); c.1740del, p.Asn580fs (NM_001354740.1); c.1620del, p.Asn540fs (NM_001354741.2); c.1509del, p.Asn503fs (NM_001354745.2); c.1470del, p.Asn490fs (NM_001354746.2); and 1 more; short protein forms N482fs, N490fs, N501fs, N503fs, N532fs, N540fs, N580fs, N603fs.
Identifiers: ClinVar variation 1163352 (VCV001163352.5), dbSNP rs2136009658, ClinGen allele CA2499221696.

ClinVar aggregate classification (germline): Likely pathogenic (1 of 4 stars; one submission).

Submission:

Mayo Clinic Laboratories, Mayo Clinic
Classification: Likely pathogenic. Last evaluated: 2020-04-14. Review status: criteria provided, single submitter. Criteria: ACMG Guidelines, 2015. Collection method: clinical testing. Allele origin: germline. Observed: 1 variant allele.
Comment: PVS1, PM2